The following is an entry in ClinVar:

NM_001378778.1(MPDZ):c.135C>T (p.Phe45=)

Gene: MPDZ (multiple PDZ domain crumbs cell polarity complex component; minus strand). Cytogenetic location: 9p23.
Variant type: single nucleotide variant.
Coding change: c.135C>T on transcript NM_001378778.1 (MANE Select); coding-DNA position 135, C replaced by T.
Protein change: p.Phe45=; no amino-acid change (phenylalanine 45 retained).
Molecular consequence: synonymous variant.
Genome position (GRCh38, 1-based): chr9:13,247,683, G>A on the plus strand (C>T on the coding strand, the complement: MPDZ is on the minus strand). VCF-style: chr9-13247683-G-A. GRCh37 (hg19) VCF-style: chr9-13247682-G-A.
Other names: c.135C>T, p.Phe45= (NM_001261406.2, NM_001261407.2, NM_001330637.2 and 14 more transcripts).
Identifiers: ClinVar variation 4822069 (VCV004822069.4).

ClinVar aggregate classification (germline): Uncertain significance (1 of 4 stars; one submission).

gnomAD v4.1: 4 of 1,613,610 alleles (0.00025%); highest among the groups gnomAD compares: Middle Eastern, 0.017%; no homozygotes.

Submission:

CeGaT Center for Human Genetics Tuebingen
Classification: Uncertain significance. Last evaluated: 2026-03-01. Review status: criteria provided, single submitter. Criteria: CeGaT Center For Human Genetics Tuebingen Variant Classification Criteria Version 2. Collection method: clinical testing. Allele origin: germline. Affected: yes. Observed: 1 variant allele.
Comment: MPDZ: PM2:Supporting, BP4